The following is an entry in ClinVar:

ClinVar aggregate classification (germline): Likely pathogenic (1 of 4 stars; one submission).

Submission:

Labcorp Genetics (formerly Invitae), Labcorp
Classification: Likely pathogenic. Last evaluated: 2023-11-17. Review status: criteria provided, single submitter. Criteria: Invitae Variant Classification Sherloc (09022015). Collection method: clinical testing. Allele origin: germline.
Comment: This sequence change affects an acceptor splice site in intron 55 of the CDH23 gene. It is expected to disrupt RNA splicing. Variants that disrupt the donor or acceptor splice site typically lead to a loss of protein function (PMID: 16199547), and loss-of-function variants in CDH23 are known to be pathogenic (PMID: 11138009, 21940737). This variant is not present in population databases (gnomAD no frequency). This variant has not been reported in the literature in individuals affected with CDH23-related conditions. Algorithms developed to predict the effect of sequence changes on RNA splicing suggest that this variant may disrupt the consensus splice site. In summary, the currently available evidence indicates that the variant is pathogenic, but additional data are needed to prove that conclusively. Therefore, this variant has been classified as Likely Pathogenic.

Literature cited by the submitters: PubMed 16199547; PubMed 11138009; PubMed 21940737.

NM_022124.6(CDH23):c.7873-1G>A

Gene: CDH23 (cadherin related 23; plus strand). Cytogenetic location: 10q22.1.
Variant type: single nucleotide variant.
Coding change: c.7873-1G>A on transcript NM_022124.6 (MANE Select); the canonical splice acceptor site of the intron before coding-DNA position 7873, G replaced by A.
Molecular consequence: splice acceptor variant.
Genome position (GRCh38, 1-based): chr10:71,805,805, G>A. VCF-style: chr10-71805805-G-A. GRCh37 (hg19) VCF-style: chr10-73565562-G-A.
Other names: c.1153-1G>A (NM_001171933.1, NM_001171934.1).
Identifiers: ClinVar variation 2696421 (VCV002696421.3), dbSNP rs2494426254, ClinGen allele CA377161857.